The following is an entry in ClinVar:

ClinVar aggregate classification (germline): Uncertain significance (1 of 4 stars; one submission).

Submission:

Labcorp Genetics (formerly Invitae), Labcorp
Classification: Uncertain significance. Last evaluated: 2025-11-18. Review status: criteria provided, single submitter. Criteria: Invitae Variant Classification Sherloc (09022015). Collection method: clinical testing. Allele origin: germline.
Comment: This sequence change replaces aspartic acid, which is acidic and polar, with asparagine, which is neutral and polar, at codon 36 of the PCK2 protein (p.Asp36Asn). This variant is not present in population databases (gnomAD no frequency). This variant has not been reported in the literature in individuals affected with PCK2-related conditions. An algorithm developed to predict the effect of missense changes on protein structure and function (PolyPhen-2) suggests that this variant is likely to be tolerated. In summary, the available evidence is currently insufficient to determine the role of this variant in disease. Therefore, it has been classified as a Variant of Uncertain Significance.

NM_004563.4(PCK2):c.106G>A (p.Asp36Asn)

Genes: NRL (neural retina leucine zipper; minus strand), PCK2 (phosphoenolpyruvate carboxykinase 2, mitochondrial; plus strand). Cytogenetic location: 14q11.2.
Variant type: single nucleotide variant.
Coding change: c.106G>A on transcript NM_004563.4 (MANE Select); coding-DNA position 106, G replaced by A.
Protein change: p.Asp36Asn; replaces aspartic acid 36 with asparagine.
Molecular consequence: missense variant. On other transcripts: intron variant (4), 5 prime UTR variant (1).
Genome position (GRCh38, 1-based): chr14:24,096,968, G>A. VCF-style: chr14-24096968-G-A. GRCh37 (hg19) VCF-style: chr14-24566177-G-A.
Other names: c.-27-14093C>T (NM_001354768.3, NM_001354770.2); c.-253-12223C>T (NM_006177.5); c.-127-1235G>A (NM_001291556.2); c.106G>A, p.Asp36Asn (NM_001018073.3); c.-297G>A (NM_001308054.2); short protein forms D36N.
Identifiers: ClinVar variation 4771633 (VCV004771633.1).
Genomic context (GRCh38, chr14:24,096,968, plus strand): 5'-CTGAGCCCCTTGGGCTGGCCATCATGCCGTAGCATCCAGACCCTGCGAGTGCTTAGTGGA[G>A]ATCTGGGCCAGCTTCCCACTGGCATTCGAGATTTTGTAGAGCACAGTGCCCGCCTGTGCC-3'
Protein context (NP_004554.3, residues 26-46): SIQTLRVLSG[Asp36Asn]LGQLPTGIRD